The following is an entry in ClinVar:

NM_031272.5(TEX14):c.3155T>C (p.Val1052Ala)

Gene: TEX14 (testis expressed 14, intercellular bridge forming factor; minus strand). Cytogenetic location: 17q22.
Variant type: single nucleotide variant.
Coding change: c.3155T>C on transcript NM_031272.5 (MANE Select); coding-DNA position 3155, T replaced by C.
Protein change: p.Val1052Ala; replaces valine 1052 with alanine.
Molecular consequence: missense variant.
Genome position (GRCh38, 1-based): chr17:58,584,516, A>G on the plus strand (T>C on the coding strand, the complement: TEX14 is on the minus strand). VCF-style: chr17-58584516-A-G. GRCh37 (hg19) VCF-style: chr17-56661877-A-G.
Other names: c.3173T>C, p.Val1058Ala (NM_001201457.2); c.3155T>C, p.Val1052Ala (NM_198393.4); short protein forms V1052A, V1058A.
Identifiers: ClinVar variation 3772600 (VCV003772600.13).

ClinVar aggregate classification (germline): Uncertain significance (1 of 4 stars; one submission).

gnomAD v4.1: 1 of 1,613,704 alleles (0.000062%); highest among the groups gnomAD compares: East Asian, 0.0022%; no homozygotes.

Submission:

CeGaT Center for Human Genetics Tuebingen
Classification: Uncertain significance. Last evaluated: 2025-02-01. Review status: criteria provided, single submitter. Criteria: CeGaT Center For Human Genetics Tuebingen Variant Classification Criteria Version 2. Collection method: clinical testing. Allele origin: germline. Affected: yes. Observed: 1 variant allele.
Comment: TEX14: PM2, BP4